The following is an entry in ClinVar:

ClinVar aggregate classification (germline): Uncertain significance (1 of 4 stars; one submission).

Conditions:
Cardiovascular phenotype. Identifiers: MedGen CN230736.

Allele frequency attached by ClinVar (database versions not stated): gnomAD exomes below 0.00001; ExAC 0.00002.
gnomAD v4.1: 1 of 1,600,914 alleles (0.000062%); highest among the groups gnomAD compares: East Asian, 0.0022%; no homozygotes.

Submission:

Ambry Genetics
Classification: Uncertain significance for Cardiovascular phenotype. Last evaluated: 2025-04-03. Review status: criteria provided, single submitter. Criteria: Ambry Variant Classification Scheme 2023. Collection method: clinical testing. Allele origin: germline.
Comment: The p.N1046S variant (also known as c.3137A>G), located in coding exon 27 of the RYR2 gene, results from an A to G substitution at nucleotide position 3137. The asparagine at codon 1046 is replaced by serine, an amino acid with highly similar properties. This amino acid position is highly conserved in available vertebrate species. In addition, the in silico prediction for this alteration is inconclusive. Based on the available evidence, the clinical significance of this variant remains unclear.

NM_001035.3(RYR2):c.3137A>G (p.Asn1046Ser)

Gene: RYR2 (ryanodine receptor 2; plus strand). Cytogenetic location: 1q43.
Variant type: single nucleotide variant.
Coding change: c.3137A>G on transcript NM_001035.3 (MANE Select); coding-DNA position 3137, A replaced by G.
Protein change: p.Asn1046Ser; replaces asparagine 1046 with serine.
Molecular consequence: missense variant.
Genome position (GRCh38, 1-based): chr1:237,550,614, A>G. VCF-style: chr1-237550614-A-G. GRCh37 (hg19) VCF-style: chr1-237713914-A-G.
Other names: short protein forms N1046S.
Identifiers: ClinVar variation 1728022 (VCV001728022.3), dbSNP rs767452498, ClinGen allele CA086315.
Genomic context (GRCh38, chr1:237,550,614, plus strand): 5'-ACAGAAGAAATCCTCGCCTTGTTCCCTACACTCTTCTGGATGACCGAACCAAGAAATCCA[A>G]CAAGGACAGCCTCCGCGAGGCTGTGCGCACGCTGCTGGGGTACGGCTACAACTTGGAAGC-3'
Protein context (NP_001026.2, residues 1036-1056): TLLDDRTKKS[Asn1046Ser]KDSLREAVRT